The following is an entry in ClinVar:

NM_033118.4(MYLK2):c.1494C>A (p.Asn498Lys)

Gene: MYLK2 (myosin light chain kinase 2; plus strand). Cytogenetic location: 20q11.21.
Variant type: single nucleotide variant.
Coding change: c.1494C>A on transcript NM_033118.4 (MANE Select); coding-DNA position 1494, C replaced by A.
Protein change: p.Asn498Lys; replaces asparagine 498 with lysine.
Molecular consequence: missense variant.
Genome position (GRCh38, 1-based): chr20:31,831,772, C>A. VCF-style: chr20-31831772-C-A. GRCh37 (hg19) VCF-style: chr20-30419575-C-A.
Other names: short protein forms N498K.
Identifiers: ClinVar variation 4777859 (VCV004777859.1).

ClinVar aggregate classification (germline): Uncertain significance (1 of 4 stars; one submission).

Conditions:
Hypertrophic cardiomyopathy 1 (CMH1). Also called: Familial hypertrophic cardiomyopathy 1; MYH7-Related Familial Hypertrophic Cardiomyopathy. Identifiers: MedGen C3495498, MONDO:0008647, OMIM 192600.

gnomAD v4.1: 2 of 1,614,170 alleles (0.00012%); highest among the groups gnomAD compares: Non-Finnish European, 0.00017%; no homozygotes.

Submission:

Labcorp Genetics (formerly Invitae), Labcorp
Classification: Uncertain significance for Hypertrophic cardiomyopathy 1. Last evaluated: 2025-02-02. Review status: criteria provided, single submitter. Criteria: Invitae Variant Classification Sherloc (09022015). Collection method: clinical testing. Allele origin: germline.
Comment: This sequence change replaces asparagine, which is neutral and polar, with lysine, which is basic and polar, at codon 498 of the MYLK2 protein (p.Asn498Lys). This variant is present in population databases (rs771722813, gnomAD 0.003%). This variant has not been reported in the literature in individuals affected with MYLK2-related conditions. Invitae Evidence Modeling of protein sequence and biophysical properties (such as structural, functional, and spatial information, amino acid conservation, physicochemical variation, residue mobility, and thermodynamic stability) indicates that this missense variant is not expected to disrupt MYLK2 protein function with a negative predictive value of 80%. In summary, the available evidence is currently insufficient to determine the role of this variant in disease. Therefore, it has been classified as a Variant of Uncertain Significance.